The following is an entry in ClinVar:

NM_007294.4(BRCA1):c.335A>C (p.Asn112Thr)

Gene: BRCA1 (BRCA1 DNA repair associated; minus strand). Cytogenetic location: 17q21.31.
Variant type: single nucleotide variant.
Coding change: c.335A>C on transcript NM_007294.4 (MANE Select); coding-DNA position 335, A replaced by C.
Protein change: p.Asn112Thr; replaces asparagine 112 with threonine.
Molecular consequence: missense variant. On other transcripts: 5 prime UTR variant (7), intron variant (2).
Genome position (GRCh38, 1-based): chr17:43,104,228, T>G on the plus strand (A>C on the coding strand, the complement: BRCA1 is on the minus strand). VCF-style: chr17-43104228-T-G. GRCh37 (hg19) VCF-style: chr17-41256245-T-G.
Other names: c.335A>C, p.Asn112Thr (NM_001407675.1, NM_001407678.1, NM_001407679.1 and 165 more transcripts); c.203A>C, p.Asn68Thr (NM_001408451.1); c.194A>C, p.Asn65Thr (NM_001408452.1, NM_001408453.1, NM_001408454.1 and 99 more transcripts); c.257A>C, p.Asn86Thr (NM_001408474.1, NM_001408475.1, NM_001408476.1 and 21 more transcripts); c.125A>C, p.Asn42Thr (NM_001408478.1, NM_001408479.1, NM_001408480.1 and 58 more transcripts); c.-47A>C (NM_001408510.1, NM_001408512.1, NM_001407959.1 and 4 more transcripts); c.-218-9368A>C (NM_001407967.1, NM_001407966.1); c.326A>C, p.Asn109Thr (NM_001407646.1, NM_001407647.1, NM_001408408.1); short protein forms N65T, N42T, N109T, N112T, N68T, N86T.
Identifiers: ClinVar variation 2560824 (VCV002560824.2), dbSNP rs2154549791, ClinGen allele CA10601476.
Genomic context (GRCh38, chr17:43,104,228, plus strand): 5'-TTTCTGTAGCCCATACTTTGGATGATAGAAACTTCATCTTTTAGATGTTCAGGAGAGTTA[T>G]TTTCCTTTTTTGCAAAATTATAGCTGTTTGCATCTGTAAAATACAAGGGAAAACATTATG-3'
Protein context (NP_009225.1, residues 102-122): ANSYNFAKKE[Asn112Thr]NSPEHLKDEV

ClinVar aggregate classification (germline): Uncertain significance (1 of 4 stars; one submission).

Conditions:
Hereditary cancer-predisposing syndrome. Also called: Neoplastic Syndromes, Hereditary; Hereditary Cancer Syndrome; Hereditary neoplastic syndrome; Tumor predisposition. Identifiers: Orphanet 140162, MedGen C0027672, MeSH D009386, MONDO:0015356.

Submission:

Ambry Genetics
Classification: Uncertain significance for Hereditary cancer-predisposing syndrome. Last evaluated: 2023-06-08. Review status: criteria provided, single submitter. Criteria: Ambry Variant Classification Scheme 2023. Collection method: clinical testing. Allele origin: germline.
Comment: The p.N112T variant (also known as c.335A>C), located in coding exon 5 of the BRCA1 gene, results from an A to C substitution at nucleotide position 335. The asparagine at codon 112 is replaced by threonine, an amino acid with similar properties. This amino acid position is not well conserved in available vertebrate species. In addition, the in silico prediction for this alteration is inconclusive. Since supporting evidence is limited at this time, the clinical significance of this alteration remains unclear.